The following is an entry in ClinVar:

NM_001040108.2(MLH3):c.1258G>A (p.Val420Ile)

Gene: MLH3 (mutL homolog 3; minus strand). Cytogenetic location: 14q24.3.
Variant type: single nucleotide variant.
Coding change: c.1258G>A on transcript NM_001040108.2 (MANE Select); coding-DNA position 1258, G replaced by A.
Protein change: p.Val420Ile; replaces valine 420 with isoleucine.
Molecular consequence: missense variant.
Genome position (GRCh38, 1-based): chr14:75,048,398, C>T on the plus strand (G>A on the coding strand, the complement: MLH3 is on the minus strand). VCF-style: chr14-75048398-C-T. GRCh37 (hg19) VCF-style: chr14-75515101-C-T.
Other names: c.1258G>A, p.Val420Ile (NM_014381.3); short protein forms V420I.
Identifiers: ClinVar variation 238243 (VCV000238243.33), dbSNP rs28756982, ClinGen allele CA7275900.

ClinVar aggregate classification (germline): Benign/Likely benign. Review status: criteria provided, multiple submitters, no conflicts (2 of 4 stars). 14 submissions from 13 submitters: Benign (6); Likely benign (4). 4 of the submissions do not count toward it. Last evaluated 2026-02-04.

Conditions:
MLH3-related disorder. Also called: MLH3-related condition.
Colorectal cancer, hereditary nonpolyposis, type 7. Identifiers: Orphanet 144, MedGen C1858380, MONDO:0013725, OMIM 614385.
Endometrial carcinoma. Also called: Endometrial carcinoma, somatic. Identifiers: MedGen C0476089, MONDO:0002447, OMIM 608089, HP:0012114.

Allele frequency attached by ClinVar (database versions not stated): 1000 Genomes Project 30x 0.00422; 1000 Genomes Project 0.00439; TOPMed 0.00799; ESP Exome Variant Server 0.01061; gnomAD 0.01088 and 0.01142; gnomAD exomes 0.01141; ExAC 0.01157.
gnomAD v4.1: 21,985 of 1,609,024 alleles (1.4%); highest among the groups gnomAD compares: Non-Finnish European, 1.6%; 181 homozygotes.

Submissions (14):

Labcorp Genetics (formerly Invitae), Labcorp
Classification: Benign for Colorectal cancer, hereditary nonpolyposis, type 7. Last evaluated: 2026-02-04. Review status: criteria provided, single submitter. Criteria: Invitae Variant Classification Sherloc (09022015). Collection method: clinical testing. Allele origin: germline.

Mayo Clinic Laboratories, Mayo Clinic
Classification: Likely benign. Last evaluated: 2025-09-02. Review status: criteria provided, single submitter. Criteria: ACMG Guidelines, 2015. Collection method: clinical testing. Allele origin: germline. Observed: 25 variant alleles.
Comment: BS1, BP4

Center for Genomic Medicine, Rigshospitalet, Copenhagen University Hospital
Classification: Benign. Last evaluated: 2025-03-04. Review status: criteria provided, single submitter. Criteria: ACMG Guidelines, 2015. Collection method: clinical testing. Allele origin: germline.

KCCC/NGS Laboratory, Kuwait Cancer Control Center
Classification: Benign for Endometrial carcinoma. Last evaluated: 2025-02-01. Review status: criteria provided, single submitter. Criteria: ACMG Guidelines, 2015. Collection method: clinical testing. Allele origin: germline. Affected: no.

Blueprint Genetics
Classification: Likely benign. Last evaluated: 2024-11-23. Review status: criteria provided, single submitter. Criteria: ACMG Guidelines, 2015. Collection method: clinical testing. Allele origin: germline.

ARUP Laboratories, Molecular Genetics and Genomics, ARUP Laboratories
Classification: Benign. Last evaluated: 2023-11-03. Review status: criteria provided, single submitter. Criteria: ARUP Molecular Germline Variant Investigation Process 2024. Collection method: clinical testing. Allele origin: germline.

KCCC/NGS Laboratory, Kuwait Cancer Control Center
Classification: Benign for Colorectal cancer, hereditary nonpolyposis, type 7. Last evaluated: 2023-07-07. Review status: criteria provided, single submitter. Criteria: ACMG Guidelines, 2015. Collection method: clinical testing. Allele origin: germline. Affected: yes.

Ambry Genetics
Classification: Benign. Last evaluated: 2020-07-30. Review status: criteria provided, single submitter. Criteria: Ambry Variant Classification Scheme 2023. Collection method: clinical testing. Allele origin: germline.

Illumina Laboratory Services, Illumina
Classification: Likely benign for Colorectal cancer, hereditary nonpolyposis, type 7. Last evaluated: 2018-01-13. Review status: criteria provided, single submitter. Criteria: ICSL Variant Classification Criteria 13 December 2019. Collection method: clinical testing. Allele origin: germline.
Comment: This variant was observed in the ICSL laboratory as part of a predisposition screen in an ostensibly healthy population. It had not been previously curated by ICSL or reported in the Human Gene Mutation Database (HGMD: prior to June 1st, 2018), and was therefore a candidate for classification through an automated scoring system. Utilizing variant allele frequency, disease prevalence and penetrance estimates, and inheritance mode, an automated score was calculated to assess if this variant is too frequent to cause the disease. Based on the score and internal cut-off values, a variant classified as likely benign is not then subjected to further curation. The score for this variant resulted in a classification of likely benign for this disease.

Breakthrough Genomics
Classification: Likely benign. Review status: criteria provided, single submitter. Criteria: ACMG Guidelines, 2015. Collection method: not provided. Allele origin: germline. Inheritance: Autosomal dominant inheritance. Affected: yes.

PreventionGenetics, part of Exact Sciences
Classification: Benign for MLH3-related condition. Last evaluated: 2019-03-19. Review status: no assertion criteria provided. Collection method: clinical testing. Allele origin: germline. Not counted in ClinVar's aggregate classification.
Comment: This variant is classified as benign based on ACMG/AMP sequence variant interpretation guidelines (Richards et al. 2015 PMID: 25741868, with internal and published modifications).

Clinical Genetics, Academic Medical Center
Classification: Benign. Review status: no assertion criteria provided. Collection method: clinical testing. Allele origin: germline. Affected: yes. Study: VKGL Data-share Consensus. Not counted in ClinVar's aggregate classification.

Department of Pathology and Laboratory Medicine, Sinai Health System
Classification: Likely benign. Review status: no assertion criteria provided. Collection method: clinical testing. Allele origin: unknown. Affected: yes. Study: The Canadian Open Genetics Repository (COGR). Not counted in ClinVar's aggregate classification.
Comment: The MLH3 p.Val420Ile variant was identified in 4 of 174 proband chromosomes (frequency: 0.023) from individuals or families with Lynch Syndrome and was present in 2 of 180 control chromosomes (frequency: 0.01) from healthy individuals (Heinonen_2003_PMID: 12800209, Taylor_2006_PMID:16885347). The variant was also identified in dbSNP (ID: rs28756982) as likely benign, ClinVar (classified as benign by Invitae and likely benign by Illumina Clinical Service Laboratory), and LOVD 3.0 (classified as both uncertain significance and benign) databases. The variant was identified in control databases in 3222 of 277842 chromosomes (37 homozygous) at a frequency of 0.011597 increasing the likelihood this could be a low frequency benign variant (Genome Aggregation Database Feb 27, 2017). The variant was observed in the following populations: European (Finnish) in 847 of 25008 chromosomes (freq: 0.03387), European (non-Finnish) in 2026 of 127558 chromosomes (freq: 0.01588), Other in 87 of 7106 chromosomes (freq: 0.01224), Ashkenazi Jewish in 86 of 10164 chromosomes (freq: 0.008461), African in 64 of 24830 chromosomes (freq: 0.002578), Latino in 63 of 34392 chromosomes (freq: 0.001832), South Asian in 48 of 29030 chromosomes (freq: 0.001653), East Asian in 1 of 19754 chromosomes (freq: 0.000051). The variant occurs outside of the splicing consensus sequence and in silico or computational prediction software programs (SpliceSiteFinder, MaxEntScan, NNSPLICE, and GeneSplicer) do not predict a difference in splicing. The p.Val420 residue is not conserved in mammals and computational analyses (PolyPhen-2, SIFT, AlignGVGD, BLOSUM, and MutationTaster) do not suggest a high likelihood of impact to the protein; however, this information is not predictive enough to rule out pathogenicity. In summary, based on the above information the clinical significance of this variant cannot be determined with certainty at this time although we would lean towards a more benign role for this variant. This variant is classified as likely benign.

Laboratory of Diagnostic Genome Analysis, Leiden University Medical Center (LUMC)
Classification: Likely benign. Review status: no assertion criteria provided. Collection method: clinical testing. Allele origin: germline. Affected: yes. Study: VKGL Data-share Consensus. Not counted in ClinVar's aggregate classification.